The following is an entry in ClinVar:

NM_004700.4(KCNQ4):c.808T>C (p.Tyr270His)

Gene: KCNQ4 (potassium voltage-gated channel subfamily Q member 4; plus strand). Cytogenetic location: 1p34.2.
Variant type: single nucleotide variant.
Coding change: c.808T>C on transcript NM_004700.4 (MANE Select); coding-DNA position 808, T replaced by C.
Protein change: p.Tyr270His; replaces tyrosine 270 with histidine.
Molecular consequence: missense variant.
Genome position (GRCh38, 1-based): chr1:40,819,446, T>C. VCF-style: chr1-40819446-T-C. GRCh37 (hg19) VCF-style: chr1-41285118-T-C.
Other names: c.808T>C, p.Tyr270His (NM_172163.3); short protein forms Y270H.
Identifiers: ClinVar variation 208367 (VCV000208367.2), dbSNP rs797044967, ClinGen allele CA347351.

ClinVar aggregate classification (germline): Pathogenic (0 of 4 stars; one submission).

Conditions:
Autosomal dominant nonsyndromic hearing loss 2A. Also called: Autosomal dominant nonsyndromic deafness 2A; DFNA2 Nonsyndromic Hearing Loss; Deafness, autosomal dominant 2A. Identifiers: Orphanet 90635, MedGen C2677637, MONDO:0010817, OMIM 600101.

Submission:

ClinVar Staff, National Center for Biotechnology Information (NCBI)
Classification: Pathogenic for Autosomal dominant nonsyndromic hearing loss 2A. Last evaluated: 2015-08-20. Review status: no assertion criteria provided. Collection method: literature only. Allele origin: germline. Affected: yes.
Comment: This variant used to be reported in GeneReviews NBK1209.

Literature cited by the submitters: PubMed 22420747; PubMed 20301388.